The following is an entry in ClinVar:

ClinVar aggregate classification (germline): Uncertain significance (1 of 4 stars; one submission).

Conditions:
Dilated cardiomyopathy 1J (CMD1J). Also called: CARDIOMYOPATHY, DILATED, WITH SENSORINEURAL HEARING LOSS, AUTOSOMAL DOMINANT. Identifiers: Orphanet 217622, MedGen C1854368, MONDO:0011541, OMIM 605362.

Submission:

Labcorp Genetics (formerly Invitae), Labcorp
Classification: Uncertain significance for Dilated cardiomyopathy 1J. Last evaluated: 2025-02-26. Review status: criteria provided, single submitter. Criteria: Invitae Variant Classification Sherloc (09022015). Collection method: clinical testing. Allele origin: germline.
Comment: This sequence change replaces glycine, which is neutral and non-polar, with arginine, which is basic and polar, at codon 355 of the EYA4 protein (p.Gly355Arg). This variant is not present in population databases (gnomAD no frequency). This variant has not been reported in the literature in individuals affected with EYA4-related conditions. Invitae Evidence Modeling of protein sequence and biophysical properties (such as structural, functional, and spatial information, amino acid conservation, physicochemical variation, residue mobility, and thermodynamic stability) indicates that this missense variant is not expected to disrupt EYA4 protein function with a negative predictive value of 80%. In summary, the available evidence is currently insufficient to determine the role of this variant in disease. Therefore, it has been classified as a Variant of Uncertain Significance.

NM_004100.5(EYA4):c.1063G>C (p.Gly355Arg)

Gene: EYA4 (EYA transcriptional coactivator and phosphatase 4; plus strand). Cytogenetic location: 6q23.2.
Variant type: single nucleotide variant.
Coding change: c.1063G>C on transcript NM_004100.5 (MANE Select); coding-DNA position 1063, G replaced by C.
Protein change: p.Gly355Arg; replaces glycine 355 with arginine.
Molecular consequence: missense variant.
Genome position (GRCh38, 1-based): chr6:133,481,555, G>C. VCF-style: chr6-133481555-G-C. GRCh37 (hg19) VCF-style: chr6-133802693-G-C.
Other names: c.901G>C, p.Gly301Arg (NM_001301012.2); c.1081G>C, p.Gly361Arg (NM_001301013.2); c.994G>C, p.Gly332Arg (NM_001370458.1, NM_172103.4); c.919G>C, p.Gly307Arg (NM_001370459.1); c.1063G>C, p.Gly355Arg (NM_172105.4); short protein forms G301R, G307R, G332R, G355R, G361R.
Identifiers: ClinVar variation 4811071 (VCV004811071.1).